The following is an entry in ClinVar:

ClinVar aggregate classification (germline): Pathogenic/Likely pathogenic. Review status: criteria provided, multiple submitters, no conflicts (2 of 4 stars). 6 submissions from 6 submitters: Pathogenic (1); Likely pathogenic (4). 1 of the submissions does not count toward it. Last evaluated 2025-08-20.

Conditions:
RTEL1-related disorder. Also called: RTEL1-related condition; RTEL1-related disorders.
Dyskeratosis congenita, autosomal recessive 5 (DKCB5). Identifiers: MedGen C3554656, MONDO:0014076, OMIM 615190.
Pulmonary fibrosis and/or bone marrow failure, Telomere-related, 3. Also called: PULMONARY FIBROSIS AND/OR BONE MARROW FAILURE SYNDROME, TELOMERE-RELATED, 3. Identifiers: Orphanet 2032, MedGen C4225346, MONDO:0014613, OMIM 616373.
Dyskeratosis congenita. Identifiers: Orphanet 1775, MedGen C0265965, MONDO:0015780.

Allele frequency attached by ClinVar (database versions not stated): gnomAD 0.00001; gnomAD exomes 0.00001; TOPMed 0.00002.
gnomAD v4.1: 10 of 1,612,208 alleles (0.00062%); highest among the groups gnomAD compares: African/African-American, 0.0053%; no homozygotes.

Submissions (6):

Natera, Inc.
Classification: Likely pathogenic for Dyskeratosis congenita. Last evaluated: 2025-08-20. Review status: criteria provided, single submitter. Criteria: Natera Variant Classification Schema (03/2026). Collection method: clinical testing. Allele origin: germline.
Comment: The c.2686C>T variant in RTEL1 is a nonsense variant predicted to introduce a stop codon at amino acid 896. This variant is expected to result in nonsense mediated decay, truncation, or a dysfunctional protein product. This variant is rare in the general population with a frequency below the threshold expected for the associated phenotype(s). Given the available evidence, this variant is classified as Likely Pathogenic.

Baylor Genetics
Classification: Likely pathogenic for Dyskeratosis congenita, autosomal recessive 5. Last evaluated: 2023-10-24. Review status: criteria provided, single submitter. Criteria: ACMG Guidelines, 2015. Collection method: clinical testing. Allele origin: unknown.

Labcorp Genetics (formerly Invitae), Labcorp
Classification: Pathogenic for Dyskeratosis congenita, autosomal recessive 5; Pulmonary fibrosis and/or bone marrow failure, Telomere-related, 3. Last evaluated: 2023-08-07. Review status: criteria provided, single submitter. Criteria: Invitae Variant Classification Sherloc (09022015). Collection method: clinical testing. Allele origin: germline.
Comment: For these reasons, this variant has been classified as Pathogenic. ClinVar contains an entry for this variant (Variation ID: 554068). This variant has not been reported in the literature in individuals affected with RTEL1-related conditions. This variant is present in population databases (no rsID available, gnomAD 0.004%). This sequence change creates a premature translational stop signal (p.Arg872*) in the RTEL1 gene. It is expected to result in an absent or disrupted protein product. Loss-of-function variants in RTEL1 are known to be pathogenic (PMID: 23453664, 23959892, 25607374).

PreventionGenetics, part of Exact Sciences
Classification: Likely pathogenic for RTEL1-related condition. Last evaluated: 2022-09-14. Review status: criteria provided, single submitter. Criteria: ACMG Guidelines, 2015. Collection method: clinical testing. Allele origin: germline.
Comment: The RTEL1 c.2686C>T variant is predicted to result in premature protein termination (p.Arg896*). To our knowledge, this variant has not been reported in the literature. This variant is reported in 0.0040% of alleles in individuals of African descent in gnomAD. Nonsense variants in RTEL1 are expected to be pathogenic. This variant is interpreted as likely pathogenic.

Fulgent Genetics
Classification: Likely pathogenic for Dyskeratosis congenita, autosomal recessive 5; Pulmonary fibrosis and/or bone marrow failure, Telomere-related, 3. Last evaluated: 2018-10-31. Review status: criteria provided, single submitter. Criteria: ACMG Guidelines, 2015. Collection method: clinical testing. Allele origin: unknown.

Counsyl
Classification: Likely pathogenic for Dyskeratosis congenita, autosomal recessive 5. Last evaluated: 2017-09-26. Review status: no assertion criteria provided. Collection method: clinical testing. Allele origin: unknown. Not counted in ClinVar's aggregate classification.

Literature cited by the submitters: PubMed 23453664 (cited by Labcorp Genetics (formerly Invitae), Labcorp); PubMed 23959892 (cited by Labcorp Genetics (formerly Invitae), Labcorp); PubMed 25607374 (cited by Labcorp Genetics (formerly Invitae), Labcorp).

NM_001283009.2(RTEL1):c.2614C>T (p.Arg872Ter)

Genes: RTEL1 (regulator of telomere elongation helicase 1; plus strand), RTEL1-TNFRSF6B (RTEL1-TNFRSF6B readthrough (NMD candidate); plus strand). Cytogenetic location: 20q13.33.
Variant type: single nucleotide variant.
Coding change: c.2614C>T on transcript NM_001283009.2 (MANE Select); coding-DNA position 2614, C replaced by T.
Protein change: p.Arg872Ter; replaces arginine 872 with a stop codon.
Molecular consequence: nonsense. On other transcripts: non-coding transcript variant (1).
Genome position (GRCh38, 1-based): chr20:63,691,799, C>T. VCF-style: chr20-63691799-C-T. GRCh37 (hg19) VCF-style: chr20-62323152-C-T.
Other names: c.1945C>T, p.Arg649Ter (NM_001283010.1); c.2614C>T, p.Arg872Ter (NM_016434.4); c.2686C>T, p.Arg896Ter (NM_032957.5); short protein forms R896*, R872*, R649*.
Identifiers: ClinVar variation 554068 (VCV000554068.14), dbSNP rs961593162, ClinGen allele CA317518604.